The following is an entry in ClinVar:

NM_004655.4(AXIN2):c.1004G>A (p.Arg335Lys)

Gene: AXIN2 (axin 2; minus strand). Cytogenetic location: 17q24.1.
Variant type: single nucleotide variant.
Coding change: c.1004G>A on transcript NM_004655.4 (MANE Select); coding-DNA position 1004, G replaced by A.
Protein change: p.Arg335Lys; replaces arginine 335 with lysine.
Molecular consequence: missense variant.
Genome position (GRCh38, 1-based): chr17:65,541,510, C>T on the plus strand (G>A on the coding strand, the complement: AXIN2 is on the minus strand). VCF-style: chr17-65541510-C-T. GRCh37 (hg19) VCF-style: chr17-63537628-C-T.
Other names: c.1004G>A (LRG_296t1); c.1004G>A, p.Arg335Lys (NM_001363813.1); short protein forms R335K.
Identifiers: ClinVar variation 408789 (VCV000408789.12), dbSNP rs1060502134, ClinGen allele CA16615893.
Genomic context (GRCh38, chr17:65,541,510, plus strand): 5'-CTCACCGGGAAATGAGGTAGAGACACTTGGCCATTGGCCTTCACACTGCGATGCATTTCT[C>T]TCTGGAGCTGTTTCTTACTGCCCACACGATAAGGAGGAATTCCATCTCTAAGGGAAAGGA-3'
Protein context (NP_004646.3, residues 325-345): YRVGSKKQLQ[Arg335Lys]EMHRSVKANG

ClinVar aggregate classification (germline): Uncertain significance. Review status: criteria provided, multiple submitters, no conflicts (2 of 4 stars). 3 submissions from 3 submitters: Uncertain significance (3). Last evaluated 2025-09-19.

Conditions:
Hereditary cancer-predisposing syndrome. Also called: Hereditary Cancer Syndrome; Hereditary neoplastic syndrome; Neoplastic Syndromes, Hereditary; Tumor predisposition. Identifiers: Orphanet 140162, MedGen C0027672, MeSH D009386, MONDO:0015356.
Oligodontia-cancer predisposition syndrome. Also called: TOOTH AGENESIS-COLORECTAL CANCER SYNDROME. Identifiers: Orphanet 300576, MedGen C1837750, MONDO:0012075, OMIM 608615. Disease mechanism: loss of function.

Allele frequency attached by ClinVar (database versions not stated): gnomAD 0.00001.
gnomAD v4.1: 1 of 1,614,078 alleles (0.000062%); highest among the groups gnomAD compares: African/African-American, 0.0013%; no homozygotes.

Submissions (3):

Labcorp Genetics (formerly Invitae), Labcorp
Classification: Uncertain significance for Oligodontia-cancer predisposition syndrome. Last evaluated: 2025-09-19. Review status: criteria provided, single submitter. Criteria: Invitae Variant Classification Sherloc (09022015). Collection method: clinical testing. Allele origin: germline.
Comment: This sequence change replaces arginine, which is basic and polar, with lysine, which is basic and polar, at codon 335 of the AXIN2 protein (p.Arg335Lys). This variant is not present in population databases (gnomAD no frequency). This variant has not been reported in the literature in individuals affected with AXIN2-related conditions. ClinVar contains an entry for this variant (Variation ID: 408789). Invitae Evidence Modeling of protein sequence and biophysical properties (such as structural, functional, and spatial information, amino acid conservation, physicochemical variation, residue mobility, and thermodynamic stability) indicates that this missense variant is not expected to disrupt AXIN2 protein function with a negative predictive value of 80%. In summary, the available evidence is currently insufficient to determine the role of this variant in disease. Therefore, it has been classified as a Variant of Uncertain Significance.

Ambry Genetics
Classification: Uncertain significance for Hereditary cancer-predisposing syndrome. Last evaluated: 2024-10-25. Review status: criteria provided, single submitter. Criteria: Ambry Variant Classification Scheme 2023. Collection method: clinical testing. Allele origin: germline.
Comment: The p.R335K variant (also known as c.1004G>A), located in coding exon 3 of the AXIN2 gene, results from a G to A substitution at nucleotide position 1004. The arginine at codon 335 is replaced by lysine, an amino acid with highly similar properties. This amino acid position is conserved. In addition, the in silico prediction for this alteration is inconclusive. Based on the available evidence, the clinical significance of this variant remains unclear.

GeneDx
Classification: Uncertain significance. Last evaluated: 2019-06-06. Review status: criteria provided, single submitter. Criteria: GeneDx Variant Classification Process June 2021. Collection method: clinical testing. Allele origin: germline. Affected: yes.
Comment: Not observed in large population cohorts (Lek et al., 2016); In silico analysis, which includes protein predictors and evolutionary conservation, supports that this variant does not alter protein structure/function; Has not been previously published as pathogenic or benign to our knowledge